The following is an entry in ClinVar:

NM_020297.4(ABCC9):c.817-180G>A

Gene: ABCC9 (ATP binding cassette subfamily C member 9; minus strand). Cytogenetic location: 12p12.1.
Variant type: single nucleotide variant.
Coding change: c.817-180G>A on transcript NM_020297.4 (MANE Select); 180 bases into the intron before coding-DNA position 817, G replaced by A.
Molecular consequence: intron variant.
Genome position (GRCh38, 1-based): chr12:21,913,246, C>T on the plus strand (G>A on the coding strand, the complement: ABCC9 is on the minus strand). VCF-style: chr12-21913246-C-T. GRCh37 (hg19) VCF-style: chr12-22066180-C-T.
Other names: c.-48-180G>A (NM_001377274.1); c.817-180G>A (NM_005691.4, NM_001377273.1).
Identifiers: ClinVar variation 672436 (VCV000672436.1), dbSNP rs1517276, ClinGen allele CA15729544.

ClinVar aggregate classification (germline): Benign (1 of 4 stars; one submission).

Allele frequency attached by ClinVar (database versions not stated): gnomAD 0.58129 and 0.58709; TOPMed 0.58174; 1000 Genomes Project 30x 0.62274; 1000 Genomes Project 0.63239.
gnomAD v4.1: 89,130 of 151,852 alleles (59%); highest among the groups gnomAD compares: East Asian, 80%; 26,413 homozygotes.

Submission:

GeneDx
Classification: Benign. Last evaluated: 2018-06-15. Review status: criteria provided, single submitter. Criteria: GeneDx Variant Classification (06012015). Collection method: clinical testing. Allele origin: germline. Affected: yes.
Comment: This variant is considered likely benign or benign based on one or more of the following criteria: it is a conservative change, it occurs at a poorly conserved position in the protein, it is predicted to be benign by multiple in silico algorithms, and/or has population frequency not consistent with disease.